The following is an entry in ClinVar:

NM_000535.7(PMS2):c.1578C>T (p.Asp526=)

Gene: PMS2 (PMS1 homolog 2, mismatch repair system component; minus strand). Cytogenetic location: 7p22.1.
Variant type: single nucleotide variant.
Coding change: c.1578C>T on transcript NM_000535.7 (MANE Select); coding-DNA position 1578, C replaced by T.
Protein change: p.Asp526=; no amino-acid change (aspartic acid 526 retained).
Molecular consequence: synonymous variant. On other transcripts: non-coding transcript variant (1).
Genome position (GRCh38, 1-based): chr7:5,987,187, G>A on the plus strand (C>T on the coding strand, the complement: PMS2 is on the minus strand). VCF-style: chr7-5987187-G-A. GRCh37 (hg19) VCF-style: chr7-6026818-G-A.
Other names: c.1173C>T, p.Asp391= (NM_001322003.2, NM_001322004.2, NM_001322005.2 and 1 more transcripts); c.1422C>T, p.Asp474= (NM_001322006.2); c.1260C>T, p.Asp420= (NM_001322007.2, NM_001322008.2); c.1017C>T, p.Asp339= (NM_001322010.2); c.645C>T, p.Asp215= (NM_001322011.2, NM_001322012.2); c.1005C>T, p.Asp335= (NM_001322013.2); c.1578C>T, p.Asp526= (NM_001322014.2); c.1269C>T, p.Asp423= (NM_001322015.2).
Identifiers: ClinVar variation 455661 (VCV000455661.13), dbSNP rs63750236, ClinGen allele CA453747284.

ClinVar aggregate classification (germline): Benign/Likely benign. Review status: criteria provided, multiple submitters, no conflicts (2 of 4 stars). 4 submissions from 4 submitters: Benign (1); Likely benign (3). Last evaluated 2025-01-30.

Conditions:
Hereditary nonpolyposis colorectal neoplasms. Identifiers: MedGen C0009405, MeSH D003123.
Hereditary cancer-predisposing syndrome. Also called: Hereditary Cancer Syndrome; Hereditary neoplastic syndrome; Neoplastic Syndromes, Hereditary; Tumor predisposition. Identifiers: Orphanet 140162, MedGen C0027672, MeSH D009386, MONDO:0015356.
Lynch syndrome 4 (LYNCH4). Also called: Colorectal cancer, hereditary nonpolyposis, type 4; Hereditary non-polyposis colorectal cancer, type 4. Identifiers: Orphanet 144, MedGen C1838333, MONDO:0013699, OMIM 614337. Disease mechanism: loss of function.

Submissions (4):

Myriad Genetics, Inc.
Classification: Benign for Lynch syndrome 4. Last evaluated: 2025-01-30. Review status: criteria provided, single submitter. Criteria: Myriad Autosomal Dominant, Autosomal Recessive and X-Linked Classification Criteria (2023). Collection method: clinical testing. Allele origin: unknown.
Comment: This variant is considered benign. This variant is a silent/synonymous amino acid change and it is not expected to impact splicing.

Labcorp Genetics (formerly Invitae), Labcorp
Classification: Likely benign for Hereditary nonpolyposis colorectal neoplasms. Last evaluated: 2024-03-15. Review status: criteria provided, single submitter. Criteria: Invitae Variant Classification Sherloc (09022015). Collection method: clinical testing. Allele origin: germline.

Ambry Genetics
Classification: Likely benign for Hereditary cancer-predisposing syndrome. Last evaluated: 2023-07-22. Review status: criteria provided, single submitter. Criteria: Ambry Variant Classification Scheme 2023. Collection method: clinical testing. Allele origin: germline.

Color Diagnostics, LLC DBA Color Health
Classification: Likely benign for Hereditary cancer-predisposing syndrome. Last evaluated: 2019-08-13. Review status: criteria provided, single submitter. Criteria: ACMG Guidelines, 2015. Collection method: clinical testing. Allele origin: germline.